The following is an entry in ClinVar:

NM_004370.6(COL12A1):c.3202A>G (p.Ile1068Val)

Gene: COL12A1 (collagen type XII alpha 1 chain; minus strand). Cytogenetic location: 6q13.
Variant type: single nucleotide variant.
Coding change: c.3202A>G on transcript NM_004370.6 (MANE Select); coding-DNA position 3202, A replaced by G.
Protein change: p.Ile1068Val; replaces isoleucine 1068 with valine.
Molecular consequence: missense variant. On other transcripts: intron variant (1).
Genome position (GRCh38, 1-based): chr6:75,156,305, T>C on the plus strand (A>G on the coding strand, the complement: COL12A1 is on the minus strand). VCF-style: chr6-75156305-T-C. GRCh37 (hg19) VCF-style: chr6-75866021-T-C.
Other names: c.74-3823A>G (NM_080645.3); short protein forms I1068V.
Identifiers: ClinVar variation 475857 (VCV000475857.29), dbSNP rs201852681, ClinGen allele CA3893785.
Genomic context (GRCh38, chr6:75,156,305, plus strand): 5'-ATTATTTCATACCTGTTGTTCCTGATCCTTGCCTAAGCTTTCCTTCTCCCATCTTGTAAA[T>C]AGGAAGAACTGTGATGTCATATGTGGTCTGTGGCTGAAGTCGCTTTAACACTGTCGAAGT-3'
Protein context (NP_004361.3, residues 1058-1078): QTTYDITVLP[Ile1068Val]YKMGEGKLRQ

ClinVar aggregate classification (germline): Conflicting classifications of pathogenicity. Review status: criteria provided, conflicting classifications (1 of 4 stars). 4 submissions from 4 submitters: Uncertain significance (3); Likely benign (1). Last evaluated 2026-05-11.

Conditions:
Inborn genetic diseases. Identifiers: MedGen C0950123, MeSH D030342.
Ullrich congenital muscular dystrophy 2 (UCMD2). Identifiers: Orphanet 75840, MedGen C4225314, MONDO:0014654, OMIM 616470.
Bethlem myopathy 2 (BTHLM2). Identifiers: Orphanet 536516, Orphanet 610, MedGen C4225313, MONDO:0034022, OMIM 616471.

Allele frequency attached by ClinVar (database versions not stated): ESP Exome Variant Server 0.00008; gnomAD 0.00040 and 0.00042; 1000 Genomes Project 30x 0.00062; gnomAD exomes 0.00021 and 0.00037; ExAC 0.00028; 1000 Genomes Project 0.00040; TOPMed 0.00056.
gnomAD v4.1: 383 of 1,613,884 alleles (0.024%); highest among the groups gnomAD compares: Admixed American, 0.2%; 1 homozygote.

Submissions (4):

Women's Health and Genetics/Laboratory Corporation of America, LabCorp
Classification: Uncertain significance. Last evaluated: 2026-05-11. Review status: criteria provided, single submitter. Criteria: LabCorp Variant Classification Summary - May 2015. Collection method: clinical testing. Allele origin: germline.
Comment: Variant summary: COL12A1 c.3202A>G (p.Ile1068Val) results in a conservative amino acid change located in the Fibronectin type III domain (IPR003961) of the encoded protein sequence. Algorithms developed to predict the effect of missense changes on protein structure and function are either unavailable or do not agree on the potential impact of this missense change. The variant allele was found at a frequency of 0.00037 in 249288 control chromosomes. This frequency is not significantly higher than estimated for disease-causing variants in COL12A1, allowing no conclusion about variant significance. To our knowledge, no occurrence of c.3202A>G in individuals affected with COL12A1-related conditions and no experimental evidence demonstrating its impact on protein function have been reported. ClinVar contains an entry for this variant (Variation ID: 475857). Based on the evidence outlined above, the variant was classified as uncertain significance.

Labcorp Genetics (formerly Invitae), Labcorp
Classification: Likely benign for Bethlem myopathy 2; Ullrich congenital muscular dystrophy 2. Last evaluated: 2026-02-01. Review status: criteria provided, single submitter. Criteria: Invitae Variant Classification Sherloc (09022015). Collection method: clinical testing. Allele origin: germline.

GeneDx
Classification: Uncertain significance. Last evaluated: 2024-10-28. Review status: criteria provided, single submitter. Criteria: GeneDx Variant Classification Process June 2021. Collection method: clinical testing. Allele origin: germline. Affected: yes.
Comment: Has not been previously published as pathogenic or benign to our knowledge; In silico analysis indicates that this missense variant does not alter protein structure/function

Ambry Genetics
Classification: Uncertain significance for Inborn genetic diseases. Last evaluated: 2023-03-31. Review status: criteria provided, single submitter. Criteria: Ambry Variant Classification Scheme 2023. Collection method: clinical testing. Allele origin: germline.